The following is an entry in ClinVar:

ClinVar aggregate classification (germline): Likely pathogenic. Review status: criteria provided, multiple submitters, no conflicts (2 of 4 stars). 2 submissions from 2 submitters: Likely pathogenic (2). Last evaluated 2022-06-14.

Conditions:
Dilated cardiomyopathy 1G (CMD1G). Identifiers: Orphanet 154, MedGen C1858763, MONDO:0011400, OMIM 604145.
Autosomal recessive limb-girdle muscular dystrophy type 2J (LGMDR10). Also called: Limb-girdle muscular dystrophy, type 2J; MUSCULAR DYSTROPHY, LIMB-GIRDLE, AUTOSOMAL RECESSIVE 10. Identifiers: Orphanet 140922, MedGen C1837342, MONDO:0012127, OMIM 608807.

Submissions (2):

Mayo Clinic Laboratories, Mayo Clinic
Classification: Likely pathogenic. Last evaluated: 2022-06-14. Review status: criteria provided, single submitter. Criteria: ACMG Guidelines, 2015. Collection method: clinical testing. Allele origin: germline. Observed: 1 variant allele.
Comment: PM2, PVS1

Labcorp Genetics (formerly Invitae), Labcorp
Classification: Likely pathogenic for Dilated cardiomyopathy 1G; Autosomal recessive limb-girdle muscular dystrophy type 2J. Last evaluated: 2021-05-06. Review status: criteria provided, single submitter. Criteria: Invitae Variant Classification Sherloc (09022015). Collection method: clinical testing. Allele origin: germline.
Comment: This sequence change creates a premature translational stop signal (p.Glu19823Argfs*8) in the TTN gene. While this is not anticipated to result in nonsense mediated decay, it is expected to create a truncated TTN protein. This variant is not present in population databases (ExAC no frequency). This variant is located in the A band of TTN (PMID: 25589632). Truncating variants in this region are significantly overrepresented in patients affected with dilated cardiomyopathy (PMID: 25589632). Truncating variants in this region have also been reported in individuals affected with autosomal recessive centronuclear myopathy (PMID: 23975875). This variant has not been reported in the literature in individuals with TTN-related conditions. In summary, the currently available evidence indicates that the variant is pathogenic, but additional data are needed to prove that conclusively. Therefore, this variant has been classified as Likely Pathogenic.

Literature cited by the submitters: PubMed 25589632 (cited by Labcorp Genetics (formerly Invitae), Labcorp); PubMed 23975875 (cited by Labcorp Genetics (formerly Invitae), Labcorp).

NM_001267550.2(TTN):c.59466dup (p.Glu19823fs)

Genes: TTN (titin; minus strand), TTN-AS1 (TTN antisense RNA 1; plus strand), LOC126806424 (CDK7 strongly-dependent group 2 enhancer GRCh37_chr2:179456337-179457536; plus strand). Cytogenetic location: 2q31.2.
Variant type: Duplication.
Coding change: c.59466dup on transcript NM_001267550.2 (MANE Select); coding-DNA position 59466, one base duplicated (A; older notation c.59466dupA).
Protein change: p.Glu19823fs; shifts the reading frame from glutamic acid 19823.
Molecular consequence: frameshift variant.
Genome position (GRCh38, 1-based): chr2:178,592,539, T duplicated on the plus strand (A on the coding strand, the reverse complement: TTN is on the minus strand); the first of 6 consecutive T bases (chr2:178,592,539-178,592,544); duplicating any one gives the same sequence. VCF-style (leftmost placement, unchanged base first): chr2-178592538-C-CT. GRCh37 (hg19) VCF-style: chr2-179457265-C-CT.
Other names: p.Glu18182Argfs*8; c.54543dup, p.Glu18182fs (NM_001256850.1); c.32271dup, p.Glu10758fs (NM_003319.4); c.51762dup, p.Glu17255fs (NM_133378.4); c.32646dup, p.Glu10883fs (NM_133432.3); c.32847dup, p.Glu10950fs (NM_133437.4); short protein forms E10883fs, E17255fs, E19823fs, E10758fs, E10950fs, E18182fs.
Identifiers: ClinVar variation 1465895 (VCV001465895.9), dbSNP rs2154185712, ClinGen allele CA645528360.